The following is an entry in ClinVar:

NM_001042492.3(NF1):c.3477del (p.Ser1159fs)

Gene: NF1 (neurofibromin 1; plus strand). Cytogenetic location: 17q11.2.
Variant type: Deletion.
Coding change: c.3477del on transcript NM_001042492.3 (MANE Select); coding-DNA position 3477, one base deleted (T; older notation c.3477delT).
Protein change: p.Ser1159fs; shifts the reading frame from serine 1159.
Molecular consequence: frameshift variant.
Genome position (GRCh38, 1-based): chr17:31,232,862, T deleted. VCF-style (leftmost placement, unchanged base first): chr17-31232861-GT-G. GRCh37 (hg19) VCF-style: chr17-29559879-GT-G.
Other names: c.3477delT, p.Ser1159Argfs (NM_000267.4); short protein forms S1159fs.
Identifiers: ClinVar variation 1402679 (VCV001402679.6), dbSNP rs2151434843, ClinGen allele CA2573153347.

ClinVar aggregate classification (germline): Pathogenic (1 of 4 stars; one submission).

Conditions:
Neurofibromatosis, type 1 (NF1). Also called: NEUROFIBROMATOSIS, TYPE I, SOMATIC; Peripheral type neurofibromatosis; Neurofibromatosis, type I; VON RECKLINGHAUSEN DISEASE. Identifiers: Orphanet 636, MedGen C0027831, MONDO:0018975, OMIM 162200. Disease mechanism: loss of function.

Submission:

Labcorp Genetics (formerly Invitae), Labcorp
Classification: Pathogenic for Neurofibromatosis, type 1. Last evaluated: 2021-02-15. Review status: criteria provided, single submitter. Criteria: Invitae Variant Classification Sherloc (09022015). Collection method: clinical testing. Allele origin: germline.
Comment: This variant is not present in population databases (ExAC no frequency). This sequence change creates a premature translational stop signal (p.Ser1159Argfs*7) in the NF1 gene. It is expected to result in an absent or disrupted protein product. Loss-of-function variants in NF1 are known to be pathogenic (PMID: 10712197, 23913538). This variant has not been reported in the literature in individuals with NF1-related conditions. For these reasons, this variant has been classified as Pathogenic.

Literature cited by the submitters: PubMed 10712197; PubMed 23913538.